The following is an entry in ClinVar:

NM_000238.4(KCNH2):c.490C>T (p.Arg164Cys)

Gene: KCNH2 (potassium voltage-gated channel subfamily H member 2; minus strand). Cytogenetic location: 7q36.1.
Variant type: single nucleotide variant.
Coding change: c.490C>T on transcript NM_000238.4 (MANE Select); coding-DNA position 490, C replaced by T.
Protein change: p.Arg164Cys; replaces arginine 164 with cysteine.
Molecular consequence: missense variant. On other transcripts: non-coding transcript variant (1).
Genome position (GRCh38, 1-based): chr7:150,958,485, G>A on the plus strand (C>T on the coding strand, the complement: KCNH2 is on the minus strand). VCF-style: chr7-150958485-G-A. GRCh37 (hg19) VCF-style: chr7-150655573-G-A.
Other names: c.202C>T, p.Arg68Cys (NM_001406753.1, NM_001406756.1); c.313C>T, p.Arg105Cys (NM_001406755.1); c.190C>T, p.Arg64Cys (NM_001406757.1); c.490C>T, p.Arg164Cys (NM_172056.3); short protein forms R105C, R164C, R64C, R68C.
Identifiers: ClinVar variation 4709563 (VCV004709563.1).

ClinVar aggregate classification (germline): Uncertain significance (1 of 4 stars; one submission).

Conditions:
Long QT syndrome (LQTS). Identifiers: MedGen C0023976, MeSH D008133, MONDO:0002442. Disease mechanism: loss of function. Inheritance: Various modes of inheritance.

gnomAD v4.1: 1 of 1,472,484 alleles (0.000068%); highest among the groups gnomAD compares: East Asian, 0.003%; no homozygotes.

Submission:

Labcorp Genetics (formerly Invitae), Labcorp
Classification: Uncertain significance for Long QT syndrome. Last evaluated: 2025-10-05. Review status: criteria provided, single submitter. Criteria: Invitae Variant Classification Sherloc (09022015). Collection method: clinical testing. Allele origin: germline.
Comment: This sequence change replaces arginine, which is basic and polar, with cysteine, which is neutral and slightly polar, at codon 164 of the KCNH2 protein (p.Arg164Cys). The frequency data for this variant in the population databases is considered unreliable, as metrics indicate poor data quality at this position in the gnomAD database. This missense change has been observed in individual(s) with Brugada syndrome (PMID: 24400717). An algorithm developed to predict the effect of missense changes on protein structure and function (PolyPhen-2) suggests that this variant is likely to be disruptive. Experimental studies have shown that this missense change affects KCNH2 function (PMID: 24400717). In summary, the available evidence is currently insufficient to determine the role of this variant in disease. Therefore, it has been classified as a Variant of Uncertain Significance.

Literature cited by the submitters: PubMed 24400717.